The following is an entry in ClinVar:

ClinVar aggregate classification (germline): Benign/Likely benign. Review status: criteria provided, multiple submitters, no conflicts (2 of 4 stars). 4 submissions from 4 submitters: Benign (1); Likely benign (3). Last evaluated 2026-01-26.

Conditions:
Cardiovascular phenotype. Identifiers: MedGen CN230736.
RASopathy. Also called: rasopathies; Noonan spectrum disorder. Identifiers: Orphanet 536391, MedGen C5555857, MONDO:0021060.

Allele frequency attached by ClinVar (database versions not stated): TOPMed 0.00003; 1000 Genomes Project 30x 0.00016; 1000 Genomes Project 0.00020; gnomAD exomes 0.00038 and 0.00088; ExAC 0.00072; gnomAD 0.00106 and 0.00114.

Submissions (4):

Labcorp Genetics (formerly Invitae), Labcorp
Classification: Benign for RASopathy. Last evaluated: 2026-01-26. Review status: criteria provided, single submitter. Criteria: Invitae Variant Classification Sherloc (09022015). Collection method: clinical testing. Allele origin: germline.

CeGaT Center for Human Genetics Tuebingen
Classification: Likely benign. Last evaluated: 2025-04-01. Review status: criteria provided, single submitter. Criteria: CeGaT Center For Human Genetics Tuebingen Variant Classification Criteria Version 2. Collection method: clinical testing. Allele origin: germline. Affected: yes. Observed: 1 variant allele.
Comment: CBL: BP4, BP7

Blueprint Genetics
Classification: Likely benign. Last evaluated: 2024-11-25. Review status: criteria provided, single submitter. Criteria: ACMG Guidelines, 2015. Collection method: clinical testing. Allele origin: germline.

Ambry Genetics
Classification: Likely benign for Cardiovascular phenotype. Last evaluated: 2024-08-12. Review status: criteria provided, single submitter. Criteria: Ambry Variant Classification Scheme 2023. Collection method: clinical testing. Allele origin: germline.

NM_005188.4(CBL):c.2466G>A (p.Arg822=)

Gene: CBL (Cbl proto-oncogene; plus strand). Cytogenetic location: 11q23.3.
Variant type: single nucleotide variant.
Coding change: c.2466G>A on transcript NM_005188.4 (MANE Select); coding-DNA position 2466, G replaced by A.
Protein change: p.Arg822=; no amino-acid change (arginine 822 retained).
Molecular consequence: synonymous variant.
Genome position (GRCh38, 1-based): chr11:119,299,526, G>A. VCF-style: chr11-119299526-G-A. GRCh37 (hg19) VCF-style: chr11-119170236-G-A.
Other names: c.2466G>A (NM_005188.2).
Identifiers: ClinVar variation 701459 (VCV000701459.18), dbSNP rs556564719, ClinGen allele CA6318793.